The following is an entry in ClinVar:

ClinVar aggregate classification (germline): Likely pathogenic. Review status: criteria provided, multiple submitters, no conflicts (2 of 4 stars). 3 submissions from 3 submitters: Likely pathogenic (2). 1 of the submissions does not count toward it. Last evaluated 2024-02-28.

Conditions:
Hematuria, benign familial, 2 (BFH2). Identifiers: MedGen C5830421, MONDO:0958186, OMIM 620320.
Alport syndrome 3b, autosomal recessive. Identifiers: MedGen C5882699, MONDO:0957811, OMIM 620536.
Autosomal dominant Alport syndrome (ATS3A). Also called: ALPORT SYNDROME 3A, AUTOSOMAL DOMINANT; Alport syndrome dominant type; Renal failure and sensorineural hearing loss. Identifiers: Orphanet 63, Orphanet 88918, MedGen C5882663, MONDO:0007086, OMIM 104200.

Allele frequency attached by ClinVar (database versions not stated): gnomAD exomes 0.00001.
gnomAD v4.1: 5 of 1,613,294 alleles (0.00031%); highest among the groups gnomAD compares: Non-Finnish European, 0.00042%; no homozygotes.

Submissions (3):

Fulgent Genetics
Classification: Likely pathogenic for Autosomal dominant Alport syndrome; Hematuria, benign familial, 2; Alport syndrome 3b, autosomal recessive. Last evaluated: 2024-02-28. Review status: criteria provided, single submitter. Criteria: ACMG Guidelines, 2015. Collection method: clinical testing. Allele origin: germline.

GeneDx
Classification: Likely pathogenic. Last evaluated: 2022-10-05. Review status: criteria provided, single submitter. Criteria: GeneDx Variant Classification Process June 2021. Collection method: clinical testing. Allele origin: germline. Affected: yes.
Comment: Reported in the heterozygous state in a patient with glomerulopathy in published literature (Groopman et al., 2019); however, clinical information was limited; Affects a glycine residue in a Gly-X-Y motif in the triple helical region of the COL4A3 gene, where the majority of pathogenic missense variants occur, and is predicted to disrupt normal protein folding and function (Stenson et al., 2014; Jais et al., 2000); Not observed at significant frequency in large population cohorts (gnomAD); In silico analysis supports that this missense variant has a deleterious effect on protein structure/function; This variant is associated with the following publications: (PMID: 30586318, 24077912, 10752524)

Gharavi Laboratory, Columbia University
Classification: Likely pathogenic. Last evaluated: 2018-09-16. Review status: no assertion criteria provided. Criteria: ACMG Guidelines, 2015. Collection method: research. Allele origin: germline. Affected: yes. Not counted in ClinVar's aggregate classification.

NM_000091.5(COL4A3):c.2647G>A (p.Gly883Arg)

Genes: COL4A3 (collagen type IV alpha 3 chain; plus strand), MFF-DT (MFF divergent transcript; minus strand). Cytogenetic location: 2q36.3.
Variant type: single nucleotide variant.
Coding change: c.2647G>A on transcript NM_000091.5 (MANE Select); coding-DNA position 2647, G replaced by A.
Protein change: p.Gly883Arg; replaces glycine 883 with arginine.
Molecular consequence: missense variant.
Genome position (GRCh38, 1-based): chr2:227,282,523, G>A. VCF-style: chr2-227282523-G-A. GRCh37 (hg19) VCF-style: chr2-228147239-G-A.
Other names: short protein forms G883R.
Identifiers: ClinVar variation 562286 (VCV000562286.3), dbSNP rs1559897288, ClinGen allele CA350850872.